The following is an entry in ClinVar:

ClinVar aggregate classification (germline): Benign. Review status: criteria provided, multiple submitters, no conflicts (2 of 4 stars). 2 submissions from 2 submitters: Benign (2). Last evaluated 2018-06-14.

Allele frequency attached by ClinVar (database versions not stated): 1000 Genomes Project 30x 0.50765; 1000 Genomes Project 0.50799; TOPMed 0.57261; gnomAD 0.59109 and 0.59153.
gnomAD v4.1: 747,477 of 1,133,248 alleles (66%); highest among the groups gnomAD compares: Non-Finnish European, 70%; 252,356 homozygotes.

Submissions (2):

GeneDx
Classification: Benign. Last evaluated: 2018-06-14. Review status: criteria provided, single submitter. Criteria: GeneDx Variant Classification (06012015). Collection method: clinical testing. Allele origin: germline. Affected: yes.
Comment: This variant is considered likely benign or benign based on one or more of the following criteria: it is a conservative change, it occurs at a poorly conserved position in the protein, it is predicted to be benign by multiple in silico algorithms, and/or has population frequency not consistent with disease.

Breakthrough Genomics
Classification: Benign. Review status: criteria provided, single submitter. Criteria: ACMG Guidelines, 2015. Collection method: not provided. Allele origin: germline. Inheritance: Autosomal recessive inheritance. Affected: yes.

NM_032578.4(MYPN):c.3494-116A>G

Gene: MYPN (myopalladin; plus strand). Cytogenetic location: 10q21.3.
Variant type: single nucleotide variant.
Coding change: c.3494-116A>G on transcript NM_032578.4 (MANE Select); 116 bases into the intron before coding-DNA position 3494, A replaced by G.
Molecular consequence: intron variant.
Genome position (GRCh38, 1-based): chr10:68,201,713, A>G. VCF-style: chr10-68201713-A-G. GRCh37 (hg19) VCF-style: chr10-69961470-A-G.
Other names: c.3494-116A>G (NM_001256267.2); c.2612-116A>G (NM_001256268.2).
Identifiers: ClinVar variation 672877 (VCV000672877.2), dbSNP rs7913133, ClinGen allele CA13193349.